The following is an entry in ClinVar:

ClinVar aggregate classification (germline): Pathogenic (1 of 4 stars; one submission).

Submission:

GeneDx
Classification: Pathogenic. Last evaluated: 2022-04-21. Review status: criteria provided, single submitter. Criteria: GeneDx Variant Classification Process June 2021. Collection method: clinical testing. Allele origin: germline. Affected: yes.
Comment: Not observed at significant frequency in large population cohorts (gnomAD); In silico analysis supports that this missense variant has a deleterious effect on protein structure/function; This variant is associated with the following publications: (PMID: 31564432)

NM_001846.4(COL4A2):c.3272G>A (p.Gly1091Asp)

Gene: COL4A2 (collagen type IV alpha 2 chain; plus strand). Cytogenetic location: 13q34.
Variant type: single nucleotide variant.
Coding change: c.3272G>A on transcript NM_001846.4 (MANE Select); coding-DNA position 3272, G replaced by A.
Protein change: p.Gly1091Asp; replaces glycine 1091 with aspartic acid.
Molecular consequence: missense variant.
Genome position (GRCh38, 1-based): chr13:110,489,711, G>A. VCF-style: chr13-110489711-G-A. GRCh37 (hg19) VCF-style: chr13-111142058-G-A.
Other names: short protein forms G1091D.
Identifiers: ClinVar variation 1712742 (VCV001712742.2), dbSNP rs2139534208, ClinGen allele CA388730885.